The following is an entry in ClinVar:

NM_003784.4(SERPINB7):c.455G>T (p.Gly152Val)

Gene: SERPINB7 (serpin family B member 7; plus strand). Cytogenetic location: 18q21.33.
Variant type: single nucleotide variant.
Coding change: c.455G>T on transcript NM_003784.4 (MANE Select); coding-DNA position 455, G replaced by T.
Protein change: p.Gly152Val; replaces glycine 152 with valine.
Molecular consequence: missense variant.
Genome position (GRCh38, 1-based): chr18:63,798,604, G>T. VCF-style: chr18-63798604-G-T. GRCh37 (hg19) VCF-style: chr18-61465838-G-T.
Other names: c.455G>T, p.Gly152Val (NM_001040147.3, NM_001261830.2); c.404G>T, p.Gly135Val (NM_001261831.2); short protein forms G135V, G152V.
Identifiers: ClinVar variation 3766056 (VCV003766056.3).

ClinVar aggregate classification (germline): Pathogenic. Review status: criteria provided, multiple submitters, no conflicts (2 of 4 stars). 2 submissions from 2 submitters: Pathogenic (2). Last evaluated 2024-08-29.

Conditions:
Palmoplantar keratoderma, Nagashima type. Identifiers: Orphanet 140966, MedGen C3810072, MONDO:0014272, OMIM 615598.

gnomAD v4.1: 42 of 1,523,592 alleles (0.0028%); highest among the groups gnomAD compares: East Asian, 0.074%; no homozygotes.

Submissions (2):

GeneDx
Classification: Pathogenic. Last evaluated: 2024-08-29. Review status: criteria provided, single submitter. Criteria: GeneDx Variant Classification Process June 2021. Collection method: clinical testing. Allele origin: germline. Affected: yes.
Comment: In silico analysis supports that this missense variant has a deleterious effect on protein structure/function; This variant is associated with the following publications: (PMID: 25788444, 35976164, 32406097, 32530127, 33575348, 25961748, 27666198, 30256384, 24514002, 27663160, 34334259, 35178744, 36317385)

Juno Genomics, Hangzhou Juno Genomics, Inc
Classification: Pathogenic for Palmoplantar keratoderma, Nagashima type. Review status: criteria provided, single submitter. Criteria: ACMG Guidelines, 2015. Collection method: clinical testing. Allele origin: germline.
Comment: Absent from controls (or at extremely low frequency if recessive) in Genome Aggregation Database.;Multiple lines of computational evidence support a deleterious effect on the gene or gene product.;For recessive disorders, detected in trans with a pathogenic variant.;Patient's phenotype or family history is highly specific for a disease with a single genetic etiology.